The following is an entry in ClinVar:

NM_006662.3(SRCAP):c.8453C>T (p.Pro2818Leu)

Gene: SRCAP (Snf2 related CREBBP activator protein; plus strand). Cytogenetic location: 16p11.2.
Variant type: single nucleotide variant.
Coding change: c.8453C>T on transcript NM_006662.3 (MANE Select); coding-DNA position 8453, C replaced by T.
Protein change: p.Pro2818Leu; replaces proline 2818 with leucine.
Molecular consequence: missense variant.
Genome position (GRCh38, 1-based): chr16:30,738,493, C>T. VCF-style: chr16-30738493-C-T. GRCh37 (hg19) VCF-style: chr16-30749814-C-T.
Other names: short protein forms P2818L.
Identifiers: ClinVar variation 1906927 (VCV001906927.5), dbSNP rs2506732327, ClinGen allele CA395637619.

ClinVar aggregate classification (germline): Uncertain significance (1 of 4 stars; one submission).

Allele frequency attached by ClinVar (database versions not stated): gnomAD exomes below 0.00001.

Submission:

Labcorp Genetics (formerly Invitae), Labcorp
Classification: Uncertain significance. Last evaluated: 2022-04-25. Review status: criteria provided, single submitter. Criteria: Invitae Variant Classification Sherloc (09022015). Collection method: clinical testing. Allele origin: germline.
Comment: In summary, the available evidence is currently insufficient to determine the role of this variant in disease. Therefore, it has been classified as a Variant of Uncertain Significance. Algorithms developed to predict the effect of missense changes on protein structure and function are either unavailable or do not agree on the potential impact of this missense change (SIFT: "Deleterious"; PolyPhen-2: "Not Available"; Align-GVGD: "Class C0"). This variant has not been reported in the literature in individuals affected with SRCAP-related conditions. This variant is not present in population databases (gnomAD no frequency). This sequence change replaces proline, which is neutral and non-polar, with leucine, which is neutral and non-polar, at codon 2818 of the SRCAP protein (p.Pro2818Leu).